The following is an entry in ClinVar:

ClinVar aggregate classification (germline): Uncertain significance (1 of 4 stars; one submission).

Allele frequency attached by ClinVar (database versions not stated): gnomAD exomes 0.00001; ExAC 0.00003.
gnomAD v4.1: 4 of 1,614,042 alleles (0.00025%); highest among the groups gnomAD compares: Non-Finnish European, 0.00034%; no homozygotes.

Submission:

Labcorp Genetics (formerly Invitae), Labcorp
Classification: Uncertain significance. Last evaluated: 2022-08-19. Review status: criteria provided, single submitter. Criteria: Invitae Variant Classification Sherloc (09022015). Collection method: clinical testing. Allele origin: germline.
Comment: This sequence change replaces valine, which is neutral and non-polar, with leucine, which is neutral and non-polar, at codon 294 of the ADAMTSL4 protein (p.Val294Leu). This variant is present in population databases (rs745391710, gnomAD 0.004%). This variant has not been reported in the literature in individuals affected with ADAMTSL4-related conditions. Algorithms developed to predict the effect of missense changes on protein structure and function output the following: SIFT: "Tolerated"; PolyPhen-2: "Benign"; Align-GVGD: "Class C0". The leucine amino acid residue is found in multiple mammalian species, which suggests that this missense change does not adversely affect protein function. In summary, the available evidence is currently insufficient to determine the role of this variant in disease. Therefore, it has been classified as a Variant of Uncertain Significance.

NM_019032.6(ADAMTSL4):c.880G>C (p.Val294Leu)

Genes: ADAMTSL4 (ADAMTS like 4; plus strand), ADAMTSL4-AS2 (ADAMTSL4 antisense RNA 2; minus strand). Cytogenetic location: 1q21.2.
Variant type: single nucleotide variant.
Coding change: c.880G>C on transcript NM_019032.6 (MANE Select); coding-DNA position 880, G replaced by C.
Protein change: p.Val294Leu; replaces valine 294 with leucine.
Molecular consequence: missense variant.
Genome position (GRCh38, 1-based): chr1:150,553,871, G>C. VCF-style: chr1-150553871-G-C. GRCh37 (hg19) VCF-style: chr1-150526347-G-C.
Other names: c.880G>C, p.Val294Leu (NM_001288607.2, NM_001288608.2, NM_001378596.1 and 1 more transcripts); short protein forms V294L.
Identifiers: ClinVar variation 1716834 (VCV001716834.3), dbSNP rs745391710, ClinGen allele CA1078058.